The following is an entry in ClinVar:

NM_024675.4(PALB2):c.1433C>G (p.Ser478Cys)

Gene: PALB2 (partner and localizer of BRCA2; minus strand). Cytogenetic location: 16p12.2.
Variant type: single nucleotide variant.
Coding change: c.1433C>G on transcript NM_024675.4 (MANE Select); coding-DNA position 1433, C replaced by G.
Protein change: p.Ser478Cys; replaces serine 478 with cysteine.
Molecular consequence: missense variant.
Genome position (GRCh38, 1-based): chr16:23,635,113, G>C on the plus strand (C>G on the coding strand, the complement: PALB2 is on the minus strand). VCF-style: chr16-23635113-G-C. GRCh37 (hg19) VCF-style: chr16-23646434-G-C.
Other names: c.1433C>G (NM_024675.3); short protein forms S478C.
Identifiers: ClinVar variation 1008992 (VCV001008992.10), dbSNP rs786203879, ClinGen allele CA395131282.

ClinVar aggregate classification (germline): Uncertain significance. Review status: criteria provided, multiple submitters, no conflicts (2 of 4 stars). 2 submissions from 2 submitters: Uncertain significance (2). Last evaluated 2026-07-05.

Conditions:
Hereditary cancer-predisposing syndrome. Also called: Tumor predisposition; Hereditary Cancer Syndrome; Hereditary neoplastic syndrome; Neoplastic Syndromes, Hereditary. Identifiers: Orphanet 140162, MedGen C0027672, MeSH D009386, MONDO:0015356.
Familial cancer of breast. Also called: Hereditary breast cancer; hereditary breast carcinoma; BREAST CANCER, FAMILIAL. Identifiers: Orphanet 227535, MedGen C0346153, MONDO:0016419, OMIM 114480. Disease mechanism: loss of function.

Submissions (2):

Ambry Genetics
Classification: Uncertain significance for Hereditary cancer-predisposing syndrome. Last evaluated: 2026-07-05. Review status: criteria provided, single submitter. Criteria: Ambry Variant Classification Scheme 2023. Collection method: clinical testing. Allele origin: germline.
Comment: The p.S478C variant (also known as c.1433C>G), located in coding exon 4 of the PALB2 gene, results from a C to G substitution at nucleotide position 1433. The serine at codon 478 is replaced by cysteine, an amino acid with dissimilar properties. This amino acid position is conserved. In addition, this alteration is predicted to be tolerated by in silico analysis. Based on the available evidence, the clinical significance of this variant remains unclear.

Labcorp Genetics (formerly Invitae), Labcorp
Classification: Uncertain significance for Familial cancer of breast. Last evaluated: 2025-01-06. Review status: criteria provided, single submitter. Criteria: Invitae Variant Classification Sherloc (09022015). Collection method: clinical testing. Allele origin: germline.
Comment: This sequence change replaces serine, which is neutral and polar, with cysteine, which is neutral and slightly polar, at codon 478 of the PALB2 protein (p.Ser478Cys). This variant is not present in population databases (gnomAD no frequency). This variant has not been reported in the literature in individuals affected with PALB2-related conditions. ClinVar contains an entry for this variant (Variation ID: 1008992). Invitae Evidence Modeling of protein sequence and biophysical properties (such as structural, functional, and spatial information, amino acid conservation, physicochemical variation, residue mobility, and thermodynamic stability) indicates that this missense variant is not expected to disrupt PALB2 protein function with a negative predictive value of 80%. In summary, the available evidence is currently insufficient to determine the role of this variant in disease. Therefore, it has been classified as a Variant of Uncertain Significance.